The following is an entry in ClinVar:

ClinVar aggregate classification (germline): Uncertain significance (1 of 4 stars; one submission).

Submission:

CeGaT Center for Human Genetics Tuebingen
Classification: Uncertain significance. Last evaluated: 2026-01-01. Review status: criteria provided, single submitter. Criteria: CeGaT Center For Human Genetics Tuebingen Variant Classification Criteria Version 2. Collection method: clinical testing. Allele origin: germline. Affected: yes. Observed: 1 variant allele.
Comment: CASK: PM2, PP3

NM_001367721.1(CASK):c.532+2dup

Gene: CASK (calcium/calmodulin dependent serine protein kinase; minus strand). Cytogenetic location: Xp11.4.
Variant type: Duplication.
Coding change: c.532+2dup on transcript NM_001367721.1 (MANE Select); the canonical splice donor site of the intron after coding-DNA position 532, one base duplicated (T; older notation c.532+2dupT).
Molecular consequence: splice donor variant.
Genome position (GRCh38, 1-based): chrX:41,671,426, A duplicated on the plus strand (T on the coding strand, the reverse complement: CASK is on the minus strand). VCF-style (leftmost placement, unchanged base first): chrX-41671425-T-TA. GRCh37 (hg19) VCF-style: chrX-41530678-T-TA.
Other names: c.532+2dup (NM_001126055.3, NM_001410745.1, NM_001126054.3 and 1 more transcripts).
Identifiers: ClinVar variation 4823234 (VCV004823234.4).